The following is an entry in ClinVar:

NM_006642.5(SDCCAG8):c.510G>A (p.Glu170=)

Gene: SDCCAG8 (SHH signaling and ciliogenesis regulator SDCCAG8; plus strand). Cytogenetic location: 1q43.
Variant type: single nucleotide variant.
Coding change: c.510G>A on transcript NM_006642.5 (MANE Select); coding-DNA position 510, G replaced by A.
Protein change: p.Glu170=; no amino-acid change (glutamic acid 170 retained).
Molecular consequence: synonymous variant. On other transcripts: 5 prime UTR variant (3).
Genome position (GRCh38, 1-based): chr1:243,286,361, G>A. VCF-style: chr1-243286361-G-A. GRCh37 (hg19) VCF-style: chr1-243449663-G-A.
Other names: c.-603G>A (NM_001350246.2); c.-491G>A (NM_001350247.2); c.510G>A, p.Glu170= (NM_001350248.2); c.216G>A, p.Glu72= (NM_001350249.2); c.-864G>A (NM_001350251.2).
Identifiers: ClinVar variation 4997807 (VCV004997807.1).

ClinVar aggregate classification (germline): Likely benign (1 of 4 stars; one submission).

Conditions:
SDCCAG8-related disorder. Also called: SDCCAG8-Related Disorders; SDCCAG8-related condition.

gnomAD v4.1: 1 of 1,613,972 alleles (0.000062%); highest among the groups gnomAD compares: South Asian, 0.0011%; no homozygotes.

Submission:

PreventionGenetics, part of Exact Sciences
Classification: Likely benign for SDCCAG8-related condition. Last evaluated: 2024-10-11. Review status: criteria provided, single submitter. Criteria: ACMG Guidelines, 2015. Collection method: clinical testing. Allele origin: germline.
Comment: This variant is classified as likely benign based on ACMG/AMP sequence variant interpretation guidelines (Richards et al. 2015 PMID: 25741868, with internal and published modifications).